The following is an entry in ClinVar:

NM_201550.4(LRRC10):c.454G>A (p.Gly152Ser)

Gene: LRRC10 (leucine rich repeat containing 10; minus strand). Cytogenetic location: 12q15.
Variant type: single nucleotide variant.
Coding change: c.454G>A on transcript NM_201550.4 (MANE Select); coding-DNA position 454, G replaced by A.
Protein change: p.Gly152Ser; replaces glycine 152 with serine.
Molecular consequence: missense variant.
Genome position (GRCh38, 1-based): chr12:69,610,385, C>T on the plus strand (G>A on the coding strand, the complement: LRRC10 is on the minus strand). VCF-style: chr12-69610385-C-T. GRCh37 (hg19) VCF-style: chr12-70004165-C-T.
Other names: short protein forms G152S.
Identifiers: ClinVar variation 1058228 (VCV001058228.9), dbSNP rs756019434, ClinGen allele CA6681066.
Genomic context (GRCh38, chr12:69,610,385, plus strand): 5'-TGGTCCTCAGCTCCTGGAGGCGCCGGAGCTGGCCTGGCAGCAAACGCAGGGCGTTGGAGC[C>T]GGCATGCAGAGTCTTAAGGAGACTCAGCTCACAGACCACATCCGGCAGCTGGGTGAGGCA-3'
Protein context (NP_963844.2, residues 142-162): ELSLLKTLHA[Gly152Ser]SNALRLLPGQ

ClinVar aggregate classification (germline): Uncertain significance (1 of 4 stars; one submission).

Allele frequency attached by ClinVar (database versions not stated): TOPMed 0.00001; gnomAD 0.00003; ExAC 0.00002.

Submission:

Labcorp Genetics (formerly Invitae), Labcorp
Classification: Uncertain significance. Last evaluated: 2026-01-13. Review status: criteria provided, single submitter. Criteria: Invitae Variant Classification Sherloc (09022015). Collection method: clinical testing. Allele origin: germline.
Comment: This sequence change replaces glycine, which is neutral and non-polar, with serine, which is neutral and polar, at codon 152 of the LRRC10 protein (p.Gly152Ser). This variant is present in population databases (rs756019434, gnomAD 0.005%). This variant has not been reported in the literature in individuals affected with LRRC10-related conditions. ClinVar contains an entry for this variant (Variation ID: 1058228). An algorithm developed to predict the effect of missense changes on protein structure and function (PolyPhen-2) suggests that this variant is likely to be disruptive. In summary, the available evidence is currently insufficient to determine the role of this variant in disease. Therefore, it has been classified as a Variant of Uncertain Significance.